The following is an entry in ClinVar:

ClinVar aggregate classification (germline): Uncertain significance (1 of 4 stars; one submission).

Allele frequency attached by ClinVar (database versions not stated): gnomAD exomes below 0.00001; TOPMed below 0.00001; gnomAD 0.00001.

Submission:

Labcorp Genetics (formerly Invitae), Labcorp
Classification: Uncertain significance. Last evaluated: 2022-06-05. Review status: criteria provided, single submitter. Criteria: Invitae Variant Classification Sherloc (09022015). Collection method: clinical testing. Allele origin: germline.
Comment: This sequence change replaces threonine, which is neutral and polar, with serine, which is neutral and polar, at codon 1316 of the WHSC1 protein (p.Thr1316Ser). This variant is present in population databases (no rsID available, gnomAD 0.0009%). This variant has not been reported in the literature in individuals affected with WHSC1-related conditions. Algorithms developed to predict the effect of missense changes on protein structure and function are either unavailable or do not agree on the potential impact of this missense change (SIFT: "Deleterious"; PolyPhen-2: "Benign"; Align-GVGD: "Class C55"). In summary, the available evidence is currently insufficient to determine the role of this variant in disease. Therefore, it has been classified as a Variant of Uncertain Significance.

NM_001042424.3(NSD2):c.3947C>G (p.Thr1316Ser)

Gene: NSD2 (nuclear receptor binding SET domain protein 2; plus strand). Cytogenetic location: 4p16.3.
Variant type: single nucleotide variant.
Coding change: c.3947C>G on transcript NM_001042424.3 (MANE Select); coding-DNA position 3947, C replaced by G.
Protein change: p.Thr1316Ser; replaces threonine 1316 with serine.
Molecular consequence: missense variant.
Genome position (GRCh38, 1-based): chr4:1,978,758, C>G. VCF-style: chr4-1978758-C-G. GRCh37 (hg19) VCF-style: chr4-1980485-C-G.
Other names: c.3947C>G, p.Thr1316Ser (NM_133330.3, NM_133331.3, NM_133335.4); short protein forms T1316S.
Identifiers: ClinVar variation 1680222 (VCV001680222.8), dbSNP rs1268072056, ClinGen allele CA356005787.